The following is an entry in ClinVar:

ClinVar aggregate classification (germline): Likely pathogenic. Review status: criteria provided, multiple submitters, no conflicts (2 of 4 stars). 3 submissions from 3 submitters: Likely pathogenic (3). Last evaluated 2025-10-02.

Conditions:
Hemochromatosis type 3 (HFE3). Also called: Hereditary hemochromatosis type 3; HEMOCHROMATOSIS DUE TO DEFECT IN TRANSFERRIN RECEPTOR 2; TFR2-Related Hemochromatosis. Identifiers: Orphanet 225123, MedGen C1858664, MONDO:0011417, OMIM 604250.
Hereditary hemochromatosis (HFE). Identifiers: MedGen C0392514, MONDO:0006507. Disease mechanism: loss of function.

Allele frequency attached by ClinVar (database versions not stated): TOPMed below 0.00001.

Submissions (3):

Natera, Inc.
Classification: Likely pathogenic for Hereditary hemochromatosis type 3. Last evaluated: 2025-10-02. Review status: criteria provided, single submitter. Criteria: Natera Variant Classification Schema (03/2026). Collection method: clinical testing. Allele origin: germline.
Comment: The c.286+1G>T variant in TFR2 is a canonical splice donor site variant predicted to affect pre-mRNA splicing, which may result in an abnormal transcript and altered protein product. This variant is expected to result in nonsense mediated decay, truncation, or a dysfunctional protein product. This variant is rare in the general population with a frequency below the threshold expected for the associated phenotype(s). Given the available evidence, this variant is classified as Likely Pathogenic.

Fulgent Genetics
Classification: Likely pathogenic for Hemochromatosis type 3. Last evaluated: 2024-05-20. Review status: criteria provided, single submitter. Criteria: ACMG Guidelines, 2015. Collection method: clinical testing. Allele origin: germline.

Labcorp Genetics (formerly Invitae), Labcorp
Classification: Likely pathogenic for Hereditary hemochromatosis. Last evaluated: 2020-10-28. Review status: criteria provided, single submitter. Criteria: Invitae Variant Classification Sherloc (09022015). Collection method: clinical testing. Allele origin: germline.
Comment: This sequence change affects a donor splice site in intron 2 of the TFR2 gene. It is expected to disrupt RNA splicing. Variants that disrupt the donor or acceptor splice site typically lead to a loss of protein function (PMID: 16199547), and loss-of-function variants in TFR2 are known to be pathogenic (PMID: 23600741, 26029709). In summary, the currently available evidence indicates that the variant is pathogenic, but additional data are needed to prove that conclusively. Therefore, this variant has been classified as Likely Pathogenic. Algorithms developed to predict the effect of sequence changes on RNA splicing suggest that this variant may disrupt the consensus splice site, but this prediction has not been confirmed by published transcriptional studies. This variant has not been reported in the literature in individuals with TFR2-related conditions. This variant is not present in population databases (ExAC no frequency).

Literature cited by the submitters: PubMed 16199547 (cited by Labcorp Genetics (formerly Invitae), Labcorp); PubMed 23600741 (cited by Labcorp Genetics (formerly Invitae), Labcorp); PubMed 26029709 (cited by Labcorp Genetics (formerly Invitae), Labcorp).

NM_003227.4(TFR2):c.286+1G>T

Gene: TFR2 (transferrin receptor 2; minus strand). Cytogenetic location: 7q22.1.
Variant type: single nucleotide variant.
Coding change: c.286+1G>T on transcript NM_003227.4 (MANE Select); the canonical splice donor site of the intron after coding-DNA position 286, G replaced by T.
Molecular consequence: splice donor variant.
Genome position (GRCh38, 1-based): chr7:100,640,975, C>A on the plus strand (G>T on the coding strand, the complement: TFR2 is on the minus strand). VCF-style: chr7-100640975-C-A. GRCh37 (hg19) VCF-style: chr7-100238598-C-A.
Other names: c.286+1G>T (NM_003227.3).
Identifiers: ClinVar variation 1067792 (VCV001067792.11), dbSNP rs756989018, ClinGen allele CA368537915.
Genomic context (GRCh38, chr7:100,640,975, plus strand): 5'-GGACCCCAGAAATCTCCCCCAGCCCAAGCCCTTCACTTCTGGGGAGGGGGACGGCTCTCA[C>A]CCCCAGTGAAGATCAGCAGGGCCGTCAGGACCAGGTAGGGGGCAGCCCTCCGTCCTGCTG-3'